The following is an entry in ClinVar:

NM_003995.4(NPR2):c.1952T>G (p.Val651Gly)

Gene: NPR2 (natriuretic peptide receptor 2; plus strand). Cytogenetic location: 9p13.3.
Variant type: single nucleotide variant.
Coding change: c.1952T>G on transcript NM_003995.4 (MANE Select); coding-DNA position 1952, T replaced by G.
Protein change: p.Val651Gly; replaces valine 651 with glycine.
Molecular consequence: missense variant.
Genome position (GRCh38, 1-based): chr9:35,805,575, T>G. VCF-style: chr9-35805575-T-G. GRCh37 (hg19) VCF-style: chr9-35805572-T-G.
Other names: c.1961T>G, p.Val654Gly (NM_001378923.1); short protein forms V651G, V654G.
Identifiers: ClinVar variation 4536904 (VCV004536904.1).

ClinVar aggregate classification (germline): Uncertain significance (1 of 4 stars; one submission).

Submission:

Women's Health and Genetics/Laboratory Corporation of America, LabCorp
Classification: Uncertain significance. Last evaluated: 2025-11-10. Review status: criteria provided, single submitter. Criteria: LabCorp Variant Classification Summary - May 2015. Collection method: clinical testing. Allele origin: germline.
Comment: Variant summary: NPR2 c.1952T>G (p.Val651Gly) results in a non-conservative amino acid change located in the Protein kinase domain (IPR000719) of the encoded protein sequence. Algorithms developed to predict the effect of missense changes on protein structure and function are either unavailable or do not agree on the potential impact of this missense change. The variant was absent in 251496 control chromosomes. The available data on variant occurrences in the general population are insufficient to allow any conclusion about variant significance. To our knowledge, no occurrence of c.1952T>G in individuals affected with NPR2-related conditions and no experimental evidence demonstrating its impact on protein function have been reported. No submitters have cited clinical-significance assessments for this variant to ClinVar. Based on the evidence outlined above, the variant was classified as uncertain significance.